The following is an entry in ClinVar:

NM_014946.4(SPAST):c.1252G>A (p.Glu418Lys)

Gene: SPAST (spastin; plus strand). Cytogenetic location: 2p22.3.
Variant type: single nucleotide variant.
Coding change: c.1252G>A on transcript NM_014946.4 (MANE Select); coding-DNA position 1252, G replaced by A.
Protein change: p.Glu418Lys; replaces glutamic acid 418 with lysine.
Molecular consequence: missense variant.
Genome position (GRCh38, 1-based): chr2:32,136,569, G>A. VCF-style: chr2-32136569-G-A. GRCh37 (hg19) VCF-style: chr2-32361638-G-A.
Other names: p.Glu418Lys; c.1249G>A, p.Glu417Lys (NM_001363823.2); c.1153G>A, p.Glu385Lys (NM_001363875.2); c.1156G>A, p.Glu386Lys (NM_001377959.1, NM_199436.2); short protein forms E386K, E385K, E417K, E418K.
Identifiers: ClinVar variation 662164 (VCV000662164.15), dbSNP rs1553318164, ClinGen allele CA346501837.

ClinVar aggregate classification (germline): Conflicting classifications of pathogenicity. Review status: criteria provided, conflicting classifications (1 of 4 stars). 4 submissions from 4 submitters: Pathogenic (3); Uncertain significance (1). Last evaluated 2024-04-29.

Conditions:
Hereditary spastic paraplegia 4. Also called: Spastic paraplegia 4, autosomal dominant; Spastic Paraplegia 4; Familial spastic paraplegia autosomal dominant 2. Identifiers: Orphanet 100985, MedGen C1866855, MONDO:0008438, OMIM 182601.

Submissions (4):

University of Science and Technology Houari Boumediene, Laboratory of Molecular and Cellular Biology (LBCM)
Classification: Pathogenic for Hereditary spastic paraplegia 4. Last evaluated: 2024-04-29. Review status: criteria provided, single submitter. Criteria: ('ACMG. Collection method: research. Allele origin: germline. Inheritance: Autosomal dominant inheritance. Affected: yes. Observed: 5 variant alleles, 5 heterozygotes. Clinical features observed: Spastic paraplegia (HP:0001258), Atrophy of the spinal cord (HP:0006827).
Comment: This missense variant leads to the substitution of a highly conserved glutamic acid (found in 10 species), within the AAA domain of spastin protein, with lysine. This variant is predicted to be disease-causing by standard in silico prediction tools (CADD, SIFT, PolyPhen-2, and MutationTaster). ClinVar contains an entry for this variant (Variation ID: 662164), it’s classified as pathogenic/uncertain significance. This variant is not reported in publicly available databases (1000 Genomes and gnomAD). It is associated with the following publication (PMID: 31594988, 34035234).

Labcorp Genetics (formerly Invitae), Labcorp
Classification: Pathogenic for Hereditary spastic paraplegia 4. Last evaluated: 2023-04-14. Review status: criteria provided, single submitter. Criteria: Invitae Variant Classification Sherloc (09022015). Collection method: clinical testing. Allele origin: germline.
Comment: For these reasons, this variant has been classified as Pathogenic. This variant disrupts the p.Glu418 amino acid residue in SPAST. Other variant(s) that disrupt this residue have been observed in individuals with SPAST-related conditions (PMID: 28572275, 31594988), which suggests that this may be a clinically significant amino acid residue. Advanced modeling of protein sequence and biophysical properties (such as structural, functional, and spatial information, amino acid conservation, physicochemical variation, residue mobility, and thermodynamic stability) performed at Invitae indicates that this missense variant is expected to disrupt SPAST protein function. ClinVar contains an entry for this variant (Variation ID: 662164). This missense change has been observed in individual(s) with clinical symptoms of spastic paraplegia (PMID: 31594988; Invitae). In at least one individual the variant was observed to be de novo. This variant is not present in population databases (gnomAD no frequency). This sequence change replaces glutamic acid, which is acidic and polar, with lysine, which is basic and polar, at codon 418 of the SPAST protein (p.Glu418Lys).

GeneDx
Classification: Uncertain significance. Last evaluated: 2020-02-05. Review status: criteria provided, single submitter. Criteria: GeneDx Variant Classification Process June 2021. Collection method: clinical testing. Allele origin: germline. Affected: yes.
Comment: Not observed in large population cohorts (Lek et al., 2016); In silico analysis supports that this missense variant has a deleterious effect on protein structure/function; Missense variants in nearby residues reported in the Human Gene Mutation Database (Stenson et al., 2014); Has not been previously published as pathogenic or benign to our knowledge; This variant is associated with the following publications: (PMID: 31594988)

Paris Brain Institute, Inserm - ICM
Classification: Pathogenic for Hereditary spastic paraplegia 4. Review status: criteria provided, single submitter. Criteria: ACMG Guidelines, 2015. Collection method: clinical testing. Allele origin: unknown. Affected: yes. Observed: 1 variant allele.

Literature cited by the submitters: PubMed 28572275 (cited by Labcorp Genetics (formerly Invitae), Labcorp); PubMed 31594988 (cited by Labcorp Genetics (formerly Invitae), Labcorp).